The following is an entry in ClinVar:

NM_002658.6(PLAU):c.*335G>A

Genes: C10orf55 (chromosome 10 putative open reading frame 55; minus strand), PLAU (plasminogen activator, urokinase; plus strand). Cytogenetic location: 10q22.2.
Variant type: single nucleotide variant.
Coding change: c.*335G>A on transcript NM_002658.6 (MANE Select); 335 bases downstream of the stop codon, G replaced by A.
Molecular consequence: 3 prime UTR variant.
Genome position (GRCh38, 1-based): chr10:73,916,900, G>A. VCF-style: chr10-73916900-G-A. GRCh37 (hg19) VCF-style: chr10-75676658-G-A.
Other names: c.*335G>A (NM_001145031.3, NM_001319191.2).
Identifiers: ClinVar variation 300768 (VCV000300768.5), dbSNP rs185909762, ClinGen allele CA10629026.

ClinVar aggregate classification (germline): Benign (1 of 4 stars; one submission).

Conditions:
Quebec platelet disorder (QPD). Also called: FACTOR V QUEBEC; BLEEDING DISORDER, PLATELET-TYPE, 5. Identifiers: Orphanet 220436, MedGen C1866423, MONDO:0011136, OMIM 601709.

Allele frequency attached by ClinVar (database versions not stated): 1000 Genomes Project 0.00040; gnomAD 0.00038; TOPMed 0.00003; 1000 Genomes Project 30x 0.00031; gnomAD exomes 0.00048.

Submission:

Illumina Laboratory Services, Illumina
Classification: Benign for Quebec platelet disorder. Last evaluated: 2018-01-13. Review status: criteria provided, single submitter. Criteria: ICSL Variant Classification Criteria 13 December 2019. Collection method: clinical testing. Allele origin: germline.
Comment: This variant was observed in the ICSL laboratory as part of a predisposition screen in an ostensibly healthy population. It had not been previously curated by ICSL or reported in the Human Gene Mutation Database (HGMD: prior to June 1st, 2018), and was therefore a candidate for classification through an automated scoring system. Utilizing variant allele frequency, disease prevalence and penetrance estimates, and inheritance mode, an automated score was calculated to assess if this variant is too frequent to cause the disease. Based on the score and internal cut-off values, a variant classified as benign is not then subjected to further curation. The score for this variant resulted in a classification of benign for this disease.